The following is an entry in ClinVar:

ClinVar aggregate classification (germline): Pathogenic (1 of 4 stars; one submission).

gnomAD v4.1: 1 of 1,614,188 alleles (0.000062%); highest among the groups gnomAD compares: Non-Finnish European, 0.000085%; no homozygotes.

Submission:

GeneDx
Classification: Pathogenic. Last evaluated: 2025-09-21. Review status: criteria provided, single submitter. Criteria: GeneDx Variant Classification Process June 2021. Collection method: clinical testing. Allele origin: germline. Affected: yes.
Comment: Canonical splice site variant predicted to result in an in-frame loss of the adjacent exon in a gene for which loss of function is a known mechanism of disease; Not observed at significant frequency in large population cohorts (gnomAD); Has not been previously published as pathogenic or benign to our knowledge; This variant is associated with the following publications: (PMID: 12070251)

NM_004380.3(CREBBP):c.4729-1G>A

Gene: CREBBP (CREB binding lysine acetyltransferase; minus strand). Cytogenetic location: 16p13.3.
Variant type: single nucleotide variant.
Coding change: c.4729-1G>A on transcript NM_004380.3 (MANE Select); the canonical splice acceptor site of the intron before coding-DNA position 4729, G replaced by A.
Molecular consequence: splice acceptor variant.
Genome position (GRCh38, 1-based): chr16:3,731,938, C>T on the plus strand (G>A on the coding strand, the complement: CREBBP is on the minus strand). VCF-style: chr16-3731938-C-T. GRCh37 (hg19) VCF-style: chr16-3781939-C-T.
Other names: c.4615-1G>A (NM_001079846.1).
Identifiers: ClinVar variation 4813878 (VCV004813878.1).